The following is an entry in ClinVar:

ClinVar aggregate classification (germline): Likely benign (1 of 4 stars; one submission).

Submission:

CeGaT Center for Human Genetics Tuebingen
Classification: Likely benign. Last evaluated: 2026-06-01. Review status: criteria provided, single submitter. Criteria: CeGaT Center For Human Genetics Tuebingen Variant Classification Criteria Version 2. Collection method: clinical testing. Allele origin: germline. Affected: yes. Observed: 1 variant allele.
Comment: PGAP3: BP4, BP7

NM_033419.5(PGAP3):c.15G>A (p.Ala5=)

Gene: PGAP3 (post-GPI attachment to proteins phospholipase 3; minus strand). Cytogenetic location: 17q12.
Variant type: single nucleotide variant.
Coding change: c.15G>A on transcript NM_033419.5 (MANE Select); coding-DNA position 15, G replaced by A.
Protein change: p.Ala5=; no amino-acid change (alanine 5 retained).
Molecular consequence: synonymous variant.
Genome position (GRCh38, 1-based): chr17:39,688,000, C>T on the plus strand (G>A on the coding strand, the complement: PGAP3 is on the minus strand). VCF-style: chr17-39688000-C-T. GRCh37 (hg19) VCF-style: chr17-37844253-C-T.
Other names: c.15G>A, p.Ala5= (NM_001291726.2, NM_001291728.2, NM_001291730.2 and 2 more transcripts).
Identifiers: ClinVar variation 4873185 (VCV004873185.2).